The following is an entry in ClinVar:

ClinVar aggregate classification (germline): Conflicting classifications of pathogenicity. Review status: criteria provided, conflicting classifications (1 of 4 stars). 7 submissions from 7 submitters: Uncertain significance (5); Benign (1). 1 of the submissions does not count toward it. Last evaluated 2025-11-10.

Conditions:
Cardiovascular phenotype. Identifiers: MedGen CN230736.
Cardiomyopathy (CMYO). Also called: Cardiomyopathies. Identifiers: Orphanet 167848, MedGen C0878544, MONDO:0004994, HP:0001638. Inheritance: Various modes of inheritance.
Catecholaminergic polymorphic ventricular tachycardia 1. Also called: VENTRICULAR TACHYCARDIA, CATECHOLAMINERGIC POLYMORPHIC, 1, WITH OR WITHOUT ATRIAL DYSFUNCTION AND/OR DILATED CARDIOMYOPATHY; RYR2-Related Catecholaminergic Polymorphic Ventricular Tachycardia; VENTRICULAR TACHYCARDIA, STRESS-INDUCED POLYMORPHIC 1. Identifiers: Orphanet 3286, MedGen C1631597, MONDO:0011484, OMIM 604772.

Allele frequency attached by ClinVar (database versions not stated): TOPMed 0.00001; gnomAD 0.00003; gnomAD exomes 0.00004 and 0.00005; ExAC 0.00012; ESP Exome Variant Server 0.00017.
gnomAD v4.1: 72 of 1,609,534 alleles (0.0045%); highest among the groups gnomAD compares: Non-Finnish European, 0.0057%; no homozygotes.

Submissions (7):

Color Diagnostics, LLC DBA Color Health
Classification: Uncertain significance for Cardiomyopathy. Last evaluated: 2025-11-10. Review status: criteria provided, single submitter. Criteria: ACMG Guidelines, 2015. Collection method: clinical testing. Allele origin: germline.
Comment: This missense variant replaces alanine with valine at codon 2498 of the RYR2 protein. Computational prediction suggests that this variant may have deleterious impact on protein structure and function. To our knowledge, functional studies have not been reported for this variant. This variant has been reported in two individuals affected with catecholaminergic polymorphic ventricular tachycardia (PMID: 19102802, 19398665) and in an individual with arrhythmogenic Right Ventricular Cardiomyopathy (PMID: 36621286). This variant has been identified in 72/1609534 chromosomes in the general population by the Genome Aggregation Database (gnomAD). The available evidence is insufficient to determine the role of this variant in disease conclusively. Therefore, this variant is classified as a Variant of Uncertain Significance.

Labcorp Genetics (formerly Invitae), Labcorp
Classification: Uncertain significance for Catecholaminergic polymorphic ventricular tachycardia 1. Last evaluated: 2025-07-05. Review status: criteria provided, single submitter. Criteria: Invitae Variant Classification Sherloc (09022015). Collection method: clinical testing. Allele origin: germline.
Comment: This sequence change replaces alanine, which is neutral and non-polar, with valine, which is neutral and non-polar, at codon 2498 of the RYR2 protein (p.Ala2498Val). This variant is present in population databases (rs374191985, gnomAD 0.01%). This missense change has been observed in individual(s) with catecholaminergic polymorphic ventricular tachycardia and/or RYR2-related conditions (PMID: 19102802, 19398665, 36621286). ClinVar contains an entry for this variant (Variation ID: 161380). Invitae Evidence Modeling of protein sequence and biophysical properties (such as structural, functional, and spatial information, amino acid conservation, physicochemical variation, residue mobility, and thermodynamic stability) indicates that this missense variant is expected to disrupt RYR2 protein function with a positive predictive value of 95%. In summary, the available evidence is currently insufficient to determine the role of this variant in disease. Therefore, it has been classified as a Variant of Uncertain Significance.

Ambry Genetics
Classification: Uncertain significance for Cardiovascular phenotype. Last evaluated: 2022-09-27. Review status: criteria provided, single submitter. Criteria: Ambry Variant Classification Scheme 2023. Collection method: clinical testing. Allele origin: germline.
Comment: The p.A2498V variant (also known as c.7493C>T), located in coding exon 49 of the RYR2 gene, results from a C to T substitution at nucleotide position 7493. The alanine at codon 2498 is replaced by valine, an amino acid with similar properties. This variant has been detected in individuals from catecholaminergic polymorphic ventricular tachycardia (CPVT) cohorts (Celiker A et al. Cardiol Young, 2009 Feb;19:45-52; Hayashi M et al. Circulation, 2009 May;119:2426-34). This variant has also been detected in cohorts not selected for the presence of CPVT; however, details were limited (Amendola LM et al. Genome Res. 2015 Mar;25(3):305-15). This amino acid position is highly conserved in available vertebrate species. In addition, this alteration is predicted to be deleterious by in silico analysis. Since supporting evidence is limited at this time, the clinical significance of this alteration remains unclear.

GeneDx
Classification: Uncertain significance. Last evaluated: 2022-09-13. Review status: criteria provided, single submitter. Criteria: GeneDx Variant Classification Process June 2021. Collection method: clinical testing. Allele origin: germline. Affected: yes.
Comment: Located in one of the three hot-spot regions of the RYR2 gene, where the majority of pathogenic missense variants occur (Medeiros-Domingo et al., 2009); In silico analysis supports that this missense variant has a deleterious effect on protein structure/function; This variant is associated with the following publications: (PMID: 25637381, 24025405, 28404607, 27538377, 19398665, 19926015)

Mendelics
Classification: Benign for Catecholaminergic polymorphic ventricular tachycardia 1. Last evaluated: 2019-05-28. Review status: criteria provided, single submitter. Criteria: Mendelics Assertion Criteria 2017. Collection method: clinical testing. Allele origin: unknown.

CHEO Genetics Diagnostic Laboratory, Children's Hospital of Eastern Ontario
Classification: Uncertain significance for Cardiomyopathy. Last evaluated: 2016-03-01. Review status: criteria provided, single submitter. Criteria: ACMG Guidelines, 2015. Collection method: clinical testing. Allele origin: germline. Study: Canadian Open Genetics Repository.

CSER _CC_NCGL, University of Washington
Classification: Likely benign for Catecholaminergic polymorphic ventricular tachycardia. Last evaluated: 2014-06-01. Review status: no assertion criteria provided. Collection method: research. Allele origin: germline. Inheritance: Autosomal dominant inheritance. Study: ESP 6500 variant annotation. Not counted in ClinVar's aggregate classification.
Comment: Variants classified for the Actionable exomic incidental findings in 6503 participants: challenges of variant classification manuscript

Literature cited by the submitters: PubMed 19102802 (cited by 3 submitters); PubMed 19398665 (cited by 3 submitters); PubMed 36621286 (cited by Color Diagnostics, LLC DBA Color Health and Labcorp Genetics (formerly Invitae), Labcorp); PubMed 25637381 (cited by Ambry Genetics); PubMed 28404607 (cited by Ambry Genetics).

NM_001035.3(RYR2):c.7493C>T (p.Ala2498Val)

Gene: RYR2 (ryanodine receptor 2; plus strand). Cytogenetic location: 1q43.
Variant type: single nucleotide variant.
Coding change: c.7493C>T on transcript NM_001035.3 (MANE Select); coding-DNA position 7493, C replaced by T.
Protein change: p.Ala2498Val; replaces alanine 2498 with valine.
Molecular consequence: missense variant.
Genome position (GRCh38, 1-based): chr1:237,648,594, C>T. VCF-style: chr1-237648594-C-T. GRCh37 (hg19) VCF-style: chr1-237811894-C-T.
Other names: c.7493C>T, p.Ala2498Val (LRG_402t1); short protein forms A2498V.
Identifiers: ClinVar variation 161380 (VCV000161380.19), dbSNP rs374191985, ClinGen allele CA010721.